The following is an entry in ClinVar:

ClinVar aggregate classification (germline): Uncertain significance (1 of 4 stars; one submission).

Conditions:
Aicardi-Goutieres syndrome 3. Identifiers: Orphanet 51, MedGen C1835916, MONDO:0012471, OMIM 610329.

Submission:

Labcorp Genetics (formerly Invitae), Labcorp
Classification: Uncertain significance for Aicardi-Goutieres syndrome 3. Last evaluated: 2022-05-04. Review status: criteria provided, single submitter. Criteria: Invitae Variant Classification Sherloc (09022015). Collection method: clinical testing. Allele origin: germline.
Comment: In summary, the available evidence is currently insufficient to determine the role of this variant in disease. Therefore, it has been classified as a Variant of Uncertain Significance. This variant has not been reported in the literature in individuals affected with RNASEH2C-related conditions. This variant is not present in population databases (gnomAD no frequency). This sequence change creates a premature translational stop signal (p.Pro41Argfs*66) in the RNASEH2C gene. It is expected to result in an absent or disrupted protein product. However, the current clinical and genetic evidence is not sufficient to establish whether loss-of-function variants in RNASEH2C cause disease.

NM_032193.4(RNASEH2C):c.116_119dup (p.Pro41fs)

Genes: RNASEH2C (ribonuclease H2 subunit C; minus strand), LOC130006061 (ATAC-STARR-seq lymphoblastoid silent region 3553; plus strand). Cytogenetic location: 11q13.1.
Variant type: Duplication.
Coding change: c.116_119dup on transcript NM_032193.4 (MANE Select); coding-DNA positions 116 to 119, 4 bases duplicated (ACGG; older notation c.116_119dupACGG).
Protein change: p.Pro41fs; shifts the reading frame from proline 41.
Molecular consequence: frameshift variant.
Genome position (GRCh38, 1-based): chr11:65,720,640-65,720,643, CCGT duplicated on the plus strand (ACGG on the coding strand, the reverse complement: RNASEH2C is on the minus strand); duplicating any 4 consecutive bases within chr11:65,720,640-65,720,645 gives the same sequence; the c. name uses the placement nearest the transcript's 3' end. VCF-style (leftmost placement, unchanged base first): chr11-65720639-C-CCCGT. GRCh37 (hg19) VCF-style: chr11-65488110-C-CCCGT.
Other names: short protein forms P41fs.
Identifiers: ClinVar variation 2133406 (VCV002133406.4), dbSNP rs2495311791, ClinGen allele CA2580084500.
Genomic context (GRCh38, chr11:65,720,639, plus strand): 5'-GGGCTCACCCTCGGGGCCCTGGCGGATGGCGGGCGTGAAGAAGCGCCCCACCGGGGCGGG[C>CCCGT]CCGTCCACCGCAACCTCGCAGGGCAGCAGATGCAGTGTGGCGGGTACGGCGTCGCGCAAT-3'